The following is an entry in ClinVar:

ClinVar aggregate classification (germline): Uncertain significance (1 of 4 stars; one submission).

Conditions:
Cardiovascular phenotype. Identifiers: MedGen CN230736.

Allele frequency attached by ClinVar (database versions not stated): gnomAD 0.00001; ExAC 0.00002; TOPMed 0.00002; ESP Exome Variant Server 0.00008.

Submission:

Ambry Genetics
Classification: Uncertain significance for Cardiovascular phenotype. Last evaluated: 2022-10-11. Review status: criteria provided, single submitter. Criteria: Ambry Variant Classification Scheme 2023. Collection method: clinical testing. Allele origin: germline.
Comment: The p.Q122E variant (also known as c.364C>G), located in coding exon 4 of the TECRL gene, results from a C to G substitution at nucleotide position 364. The glutamine at codon 122 is replaced by glutamic acid, an amino acid with highly similar properties. This amino acid position is conserved. In addition, this alteration is predicted to be tolerated by in silico analysis. Since supporting evidence is limited at this time, the clinical significance of this alteration remains unclear.

NM_001010874.5(TECRL):c.364C>G (p.Gln122Glu)

Gene: TECRL (trans-2,3-enoyl-CoA reductase like; minus strand). Cytogenetic location: 4q13.1.
Variant type: single nucleotide variant.
Coding change: c.364C>G on transcript NM_001010874.5 (MANE Select); coding-DNA position 364, C replaced by G.
Protein change: p.Gln122Glu; replaces glutamine 122 with glutamic acid.
Molecular consequence: missense variant.
Genome position (GRCh38, 1-based): chr4:64,322,760, G>C on the plus strand (C>G on the coding strand, the complement: TECRL is on the minus strand). VCF-style: chr4-64322760-G-C. GRCh37 (hg19) VCF-style: chr4-65188478-G-C.
Other names: c.364C>G, p.Gln122Glu (NM_001363796.1); short protein forms Q122E.
Identifiers: ClinVar variation 1733586 (VCV001733586.2), dbSNP rs139611710, ClinGen allele CA2935573.